The following is an entry in ClinVar:

NM_001556.3(IKBKB):c.317A>G (p.Lys106Arg)

Gene: IKBKB (inhibitor of nuclear factor kappa B kinase subunit beta; plus strand). Cytogenetic location: 8p11.21.
Variant type: single nucleotide variant.
Coding change: c.317A>G on transcript NM_001556.3 (MANE Select); coding-DNA position 317, A replaced by G.
Protein change: p.Lys106Arg; replaces lysine 106 with arginine.
Molecular consequence: missense variant. On other transcripts: non-coding transcript variant (3).
Genome position (GRCh38, 1-based): chr8:42,290,272, A>G. VCF-style: chr8-42290272-A-G. GRCh37 (hg19) VCF-style: chr8-42147790-A-G.
Other names: c.125A>G, p.Lys42Arg (NM_001190720.3); c.140A>G, p.Lys47Arg (NM_001242778.2); short protein forms K47R, K106R, K42R.
Identifiers: ClinVar variation 1497534 (VCV001497534.6), dbSNP rs755185347, ClinGen allele CA4731618.
Genomic context (GRCh38, chr8:42,290,272, plus strand): 5'-TGGCGCCCAATGACCTGCCCCTGCTGGCCATGGAGTACTGCCAAGGAGGAGATCTCCGGA[A>G]GGTGAGGCTCCCACGGCTGCCAGGTGCACAGCCTGTCTGGGCAGGTGGGACACCAGGAAG-3'
Protein context (NP_001547.1, residues 96-116): MEYCQGGDLR[Lys106Arg]YLNQFENCCG

ClinVar aggregate classification (germline): Uncertain significance. Review status: criteria provided, multiple submitters, no conflicts (2 of 4 stars). 2 submissions from 2 submitters: Uncertain significance (2). Last evaluated 2025-04-30.

Conditions:
Severe combined immunodeficiency due to IKK2 deficiency. Also called: Immunodeficiency 15; IMMUNODEFICIENCY 15B. Identifiers: Orphanet 397787, MedGen C4747743, MONDO:0014267, OMIM 615592.

Allele frequency attached by ClinVar (database versions not stated): gnomAD exomes 0.00001 and 0.00005; ExAC 0.00002; gnomAD 0.00002; TOPMed 0.00005.
gnomAD v4.1: 16 of 1,605,670 alleles (0.001%); highest among the groups gnomAD compares: Admixed American, 0.018%; no homozygotes.

Submissions (2):

Labcorp Genetics (formerly Invitae), Labcorp
Classification: Uncertain significance for Severe combined immunodeficiency due to IKK2 deficiency. Last evaluated: 2025-04-30. Review status: criteria provided, single submitter. Criteria: Invitae Variant Classification Sherloc (09022015). Collection method: clinical testing. Allele origin: germline.
Comment: This sequence change replaces lysine, which is basic and polar, with arginine, which is basic and polar, at codon 106 of the IKBKB protein (p.Lys106Arg). This variant is present in population databases (rs755185347, gnomAD 0.03%). This variant has not been reported in the literature in individuals affected with IKBKB-related conditions. ClinVar contains an entry for this variant (Variation ID: 1497534). An algorithm developed to predict the effect of missense changes on protein structure and function outputs the following: PolyPhen-2: "Benign". The arginine amino acid residue is found in multiple mammalian species, which suggests that this missense change does not adversely affect protein function. Algorithms developed to predict the effect of sequence changes on RNA splicing suggest that this variant may create or strengthen a splice site. In summary, the available evidence is currently insufficient to determine the role of this variant in disease. Therefore, it has been classified as a Variant of Uncertain Significance.

Blueprint Genetics
Classification: Uncertain significance. Last evaluated: 2018-12-11. Review status: criteria provided, single submitter. Criteria: ACMG Guidelines, 2015. Collection method: clinical testing. Allele origin: germline.